The following is an entry in ClinVar:

NM_002677.5(PMP2):c.367G>A (p.Val123Met)

Gene: PMP2 (peripheral myelin protein 2; minus strand). Cytogenetic location: 8q21.13.
Variant type: single nucleotide variant.
Coding change: c.367G>A on transcript NM_002677.5 (MANE Select); coding-DNA position 367, G replaced by A.
Protein change: p.Val123Met; replaces valine 123 with methionine.
Molecular consequence: missense variant. On other transcripts: 3 prime UTR variant (1).
Genome position (GRCh38, 1-based): chr8:81,443,430, C>T on the plus strand (G>A on the coding strand, the complement: PMP2 is on the minus strand). VCF-style: chr8-81443430-C-T. GRCh37 (hg19) VCF-style: chr8-82355665-C-T.
Other names: c.*11G>A (NM_001348381.2); short protein forms V123M.
Identifiers: ClinVar variation 1418255 (VCV001418255.6), dbSNP rs752350091, ClinGen allele CA4791888.

ClinVar aggregate classification (germline): Uncertain significance (1 of 4 stars; one submission).

Allele frequency attached by ClinVar (database versions not stated): ExAC 0.00001; gnomAD exomes 0.00002 and 0.00004; gnomAD 0.00003; TOPMed 0.00004.

Submission:

Labcorp Genetics (formerly Invitae), Labcorp
Classification: Uncertain significance. Last evaluated: 2025-09-16. Review status: criteria provided, single submitter. Criteria: Invitae Variant Classification Sherloc (09022015). Collection method: clinical testing. Allele origin: germline.
Comment: This sequence change replaces valine, which is neutral and non-polar, with methionine, which is neutral and non-polar, at codon 123 of the PMP2 protein (p.Val123Met). This variant is present in population databases (rs752350091, gnomAD 0.01%). This variant has not been reported in the literature in individuals affected with PMP2-related conditions. ClinVar contains an entry for this variant (Variation ID: 1418255). An algorithm developed to predict the effect of missense changes on protein structure and function (PolyPhen-2) suggests that this variant is likely to be disruptive. In summary, the available evidence is currently insufficient to determine the role of this variant in disease. Therefore, it has been classified as a Variant of Uncertain Significance.